The following is an entry in ClinVar:

ClinVar aggregate classification (germline): Pathogenic (1 of 4 stars; one submission).

Conditions:
Glycogen storage disease, type II (IOPD). Also called: CARDIOMEGALIA GLYCOGENICA DIFFUSA; GLYCOGENOSIS, GENERALIZED, CARDIAC FORM; GSD II; Glycogen storage disease type 2; Acid maltase deficiency disease; Aglucosidase alfa. Identifiers: Orphanet 365, MedGen C0017921, MONDO:0009290, OMIM 232300.

Submission:

Myriad Genetics, Inc.
Classification: Pathogenic for Glycogen storage disease, type II. Last evaluated: 2026-07-11. Review status: criteria provided, single submitter. Criteria: Myriad Autosomal Dominant, Autosomal Recessive and X-Linked Classification Criteria (2023). Collection method: clinical testing. Allele origin: unknown.
Comment: NM_000152.3(GAA):c.1298delA(Q433Rfs*7) is expected to be pathogenic in the context of Pompe disease. This variant is predicted to lead to an abnormal or absent protein product due to the creation of a premature termination codon in GAA, a gene where loss-of-function variants are known to be pathogenic. Please note: this variant was assessed in the context of healthy population screening.

NM_000152.5(GAA):c.1298del (p.Gln433fs)

Gene: GAA (alpha glucosidase; plus strand). Cytogenetic location: 17q25.3.
Variant type: Deletion.
Coding change: c.1298del on transcript NM_000152.5 (MANE Select); coding-DNA position 1298, one base deleted (A; older notation c.1298delA).
Protein change: p.Gln433fs; shifts the reading frame from glutamine 433.
Molecular consequence: frameshift variant.
Genome position (GRCh38, 1-based): chr17:80,108,800, A deleted. VCF-style (leftmost placement, unchanged base first): chr17-80108799-CA-C. GRCh37 (hg19) VCF-style: chr17-78082598-CA-C.
Other names: c.1298del, p.Gln433fs (NM_001079803.3, NM_001079804.3, NM_001406741.1 and 1 more transcripts); short protein forms Q433fs.
Identifiers: ClinVar variation 5016119 (VCV005016119.1).